The following is an entry in ClinVar:

ClinVar aggregate classification (germline): Likely benign. Review status: criteria provided, multiple submitters, no conflicts (2 of 4 stars). 3 submissions from 3 submitters: Likely benign (2). 1 of the submissions does not count toward it. Last evaluated 2026-01-22.

Conditions:
POLE-related disorder. Also called: POLE-related disorders; POLE-related condition.
Hereditary cancer-predisposing syndrome. Also called: Hereditary Cancer Syndrome; Tumor predisposition; Neoplastic Syndromes, Hereditary; Hereditary neoplastic syndrome. Identifiers: Orphanet 140162, MedGen C0027672, MeSH D009386, MONDO:0015356.

Allele frequency attached by ClinVar (database versions not stated): gnomAD 0.00001; TOPMed 0.00002.
gnomAD v4.1: 3 of 1,614,068 alleles (0.00019%); highest among the groups gnomAD compares: African/African-American, 0.0027%; no homozygotes.

Submissions (3):

Labcorp Genetics (formerly Invitae), Labcorp
Classification: Likely benign. Last evaluated: 2026-01-22. Review status: criteria provided, single submitter. Criteria: Invitae Variant Classification Sherloc (09022015). Collection method: clinical testing. Allele origin: germline.

Ambry Genetics
Classification: Likely benign for Hereditary cancer-predisposing syndrome. Last evaluated: 2018-08-20. Review status: criteria provided, single submitter. Criteria: Ambry Variant Classification Scheme 2023. Collection method: clinical testing. Allele origin: germline.

PreventionGenetics, part of Exact Sciences
Classification: Likely benign for POLE-related condition. Last evaluated: 2021-11-08. Review status: no assertion criteria provided. Collection method: clinical testing. Allele origin: germline. Not counted in ClinVar's aggregate classification.
Comment: This variant is classified as likely benign based on ACMG/AMP sequence variant interpretation guidelines (Richards et al. 2015 PMID: 25741868, with internal and published modifications).

NM_006231.4(POLE):c.706C>T (p.Leu236=)

Gene: POLE (DNA polymerase epsilon, catalytic subunit; minus strand). Cytogenetic location: 12q24.33.
Variant type: single nucleotide variant.
Coding change: c.706C>T on transcript NM_006231.4 (MANE Select); coding-DNA position 706, C replaced by T.
Protein change: p.Leu236=; no amino-acid change (leucine 236 retained).
Molecular consequence: synonymous variant.
Genome position (GRCh38, 1-based): chr12:132,677,592, G>A on the plus strand (C>T on the coding strand, the complement: POLE is on the minus strand). VCF-style: chr12-132677592-G-A. GRCh37 (hg19) VCF-style: chr12-133254178-G-A.
Identifiers: ClinVar variation 701929 (VCV000701929.12), dbSNP rs553397628, ClinGen allele CA6894233.